The following is an entry in ClinVar:

ClinVar aggregate classification (germline): Benign/Likely benign. Review status: criteria provided, multiple submitters, no conflicts (2 of 4 stars). 3 submissions from 2 submitters: Benign (1); Likely benign (2). Last evaluated 2021-10-07.

Conditions:
Optic atrophy 3 (OPA3). Also called: OPTIC ATROPHY 3, AUTOSOMAL DOMINANT; Optic atrophy, cataract, and neurologic disorder; Optic atrophy 3 with cataract. Identifiers: Orphanet 67036, MedGen C1833809, MONDO:0008133, OMIM 165300.
3-Methylglutaconic aciduria type 3 (MGCA3). Also called: OPA3, AUTOSOMAL RECESSIVE; OPTIC ATROPHY 3, AUTOSOMAL RECESSIVE; Costeff Syndrome; OPA3-Related 3-Methylglutaconic Aciduria. Identifiers: Orphanet 67047, MedGen C0574084, MONDO:0009787, OMIM 258501.

Allele frequency attached by ClinVar (database versions not stated): gnomAD 0.00515 and 0.00539; TOPMed 0.00617; 1000 Genomes Project 0.00699; 1000 Genomes Project 30x 0.00796.
gnomAD v4.1: 1,287 of 1,242,134 alleles (0.1%); highest among the groups gnomAD compares: African/African-American, 1.8%; 9 homozygotes.

Submissions (3):

GeneDx
Classification: Likely benign. Last evaluated: 2021-10-07. Review status: criteria provided, single submitter. Criteria: GeneDx Variant Classification Process June 2021. Collection method: clinical testing. Allele origin: germline. Affected: yes.

Illumina Laboratory Services, Illumina
Classification: Likely benign for 3-Methylglutaconic aciduria type 3. Last evaluated: 2018-01-13. Review status: criteria provided, single submitter. Criteria: ICSL Variant Classification Criteria 13 December 2019. Collection method: clinical testing. Allele origin: germline.
Comment: This variant was observed in the ICSL laboratory as part of a predisposition screen in an ostensibly healthy population. It had not been previously curated by ICSL or reported in the Human Gene Mutation Database (HGMD: prior to June 1st, 2018), and was therefore a candidate for classification through an automated scoring system. Utilizing variant allele frequency, disease prevalence and penetrance estimates, and inheritance mode, an automated score was calculated to assess if this variant is too frequent to cause the disease. Based on the score and internal cut-off values, a variant classified as likely benign is not then subjected to further curation. The score for this variant resulted in a classification of likely benign for this disease.

Illumina Laboratory Services, Illumina
Classification: Benign for Optic atrophy 3. Last evaluated: 2018-01-13. Review status: criteria provided, single submitter. Criteria: ICSL Variant Classification Criteria 13 December 2019. Collection method: clinical testing. Allele origin: germline.
Comment: This variant was observed in the ICSL laboratory as part of a predisposition screen in an ostensibly healthy population. It had not been previously curated by ICSL or reported in the Human Gene Mutation Database (HGMD: prior to June 1st, 2018), and was therefore a candidate for classification through an automated scoring system. Utilizing variant allele frequency, disease prevalence and penetrance estimates, and inheritance mode, an automated score was calculated to assess if this variant is too frequent to cause the disease. Based on the score and internal cut-off values, a variant classified as benign is not then subjected to further curation. The score for this variant resulted in a classification of benign for this disease.

NM_025136.4(OPA3):c.*362T>C

Genes: OPA3 (outer mitochondrial membrane lipid metabolism regulator OPA3; minus strand), OPA3-RTN2 (OPA3-RTN2 readthrough; minus strand). Cytogenetic location: 19q13.32.
Variant type: single nucleotide variant.
Coding change: c.*362T>C on transcript NM_025136.4 (MANE Select); 362 bases downstream of the stop codon, T replaced by C.
Molecular consequence: 3 prime UTR variant. On other transcripts: intron variant (1).
Genome position (GRCh38, 1-based): chr19:45,553,152, A>G on the plus strand (T>C on the coding strand, the complement: OPA3 is on the minus strand). VCF-style: chr19-45553152-A-G. GRCh37 (hg19) VCF-style: chr19-46056410-A-G.
Other names: c.143-23696T>C (NM_001017989.3).
Identifiers: ClinVar variation 329677 (VCV000329677.6), dbSNP rs73942919, ClinGen allele CA10652149.
Genomic context (GRCh38, chr19:45,553,152, plus strand): 5'-GATTGACAAAAAGAAGAAGGTGTTCCAGTGTAACAGATGAGTGTCCCAGTAAAGGTTAAC[A>G]CTGATCAGGTAAACCGGGGGTGGGGGTAACAATAACACATTGATTCAGCTCAAGACCAGG-3'